The following is an entry in ClinVar:

ClinVar aggregate classification (germline): Uncertain significance. Review status: criteria provided, multiple submitters, no conflicts (2 of 4 stars). 9 submissions from 9 submitters: Uncertain significance (8). 1 of the submissions does not count toward it. Last evaluated 2024-11-26.

Conditions:
Peroxisome biogenesis disorder 3A (Zellweger). Also called: Peroxisome biogenesis disorder 3A; PEROXISOMAL BIOGENESIS DISORDER 3A (ZELLWEGER). Identifiers: Orphanet 912, MedGen C3553929, MONDO:0013927, OMIM 614859.
PEX12-related disorder. Also called: PEX12-related disorders; PEX12-related condition.
Inborn genetic diseases. Identifiers: MedGen C0950123, MeSH D030342.
Peroxisome biogenesis disorder type 3B. Identifiers: Orphanet 44, Orphanet 772, MedGen C3550693, MONDO:0009959, OMIM 266510.

Allele frequency attached by ClinVar (database versions not stated): ESP Exome Variant Server 0.00008; gnomAD 0.00010; TOPMed 0.00013; 1000 Genomes Project 30x 0.00016; 1000 Genomes Project 0.00020; gnomAD exomes 0.00021 and 0.00033; ExAC 0.00022.

Submissions (9):

Blueprint Genetics
Classification: Uncertain significance. Last evaluated: 2024-11-26. Review status: criteria provided, single submitter. Criteria: ACMG Guidelines, 2015. Collection method: clinical testing. Allele origin: germline.

Ambry Genetics
Classification: Uncertain significance for Inborn genetic diseases. Last evaluated: 2024-06-13. Review status: criteria provided, single submitter. Criteria: Ambry Variant Classification Scheme 2023. Collection method: clinical testing. Allele origin: germline.

Revvity Omics, Revvity
Classification: Uncertain significance. Last evaluated: 2023-10-31. Review status: criteria provided, single submitter. Criteria: ACMG Guidelines, 2015. Collection method: clinical testing. Allele origin: germline.

Labcorp Genetics (formerly Invitae), Labcorp
Classification: Uncertain significance for Peroxisome biogenesis disorder 3A (Zellweger). Last evaluated: 2022-10-24. Review status: criteria provided, single submitter. Criteria: Invitae Variant Classification Sherloc (09022015). Collection method: clinical testing. Allele origin: germline.
Comment: This sequence change replaces serine, which is neutral and polar, with tyrosine, which is neutral and polar, at codon 246 of the PEX12 protein (p.Ser246Tyr). This variant is present in population databases (rs200413804, gnomAD 0.03%). This variant has not been reported in the literature in individuals affected with PEX12-related conditions. ClinVar contains an entry for this variant (Variation ID: 502684). Advanced modeling of protein sequence and biophysical properties (such as structural, functional, and spatial information, amino acid conservation, physicochemical variation, residue mobility, and thermodynamic stability) performed at Invitae indicates that this missense variant is not expected to disrupt PEX12 protein function. In summary, the available evidence is currently insufficient to determine the role of this variant in disease. Therefore, it has been classified as a Variant of Uncertain Significance.

Fulgent Genetics
Classification: Uncertain significance for Peroxisome biogenesis disorder type 3B; Peroxisome biogenesis disorder 3A (Zellweger). Last evaluated: 2018-10-31. Review status: criteria provided, single submitter. Criteria: ACMG Guidelines, 2015. Collection method: clinical testing. Allele origin: unknown.

Women's Health and Genetics/Laboratory Corporation of America, LabCorp
Classification: Uncertain significance. Last evaluated: 2018-09-28. Review status: criteria provided, single submitter. Criteria: LabCorp Variant Classification Summary - May 2015. Collection method: clinical testing. Allele origin: germline.
Comment: Variant summary: PEX12 c.737C>A (p.Ser246Tyr) results in a non-conservative amino acid change located in the N-terminal domain (IPR006845) of the encoded protein sequence. Three of five in-silico tools predict a damaging effect of the variant on protein function. The variant allele was found at a frequency of 0.0002 in 244714 control chromosomes (gnomAD). This frequency is not higher than expected for a pathogenic variant in PEX12 causing Zellweger Syndrome (0.0002 vs 0.0016), allowing no conclusion about variant significance. To our knowledge, no occurrence of c.737C>A in individuals affected with Zellweger Syndrome and no experimental evidence demonstrating its impact on protein function have been reported. One clinical diagnostic laboratory has submitted clinical-significance assessments for this variant to ClinVar after 2014 without evidence for independent evaluation and classified the variant as uncertain significance. Based on the evidence outlined above, the variant was classified as uncertain significance.

Eurofins Ntd Llc (ga)
Classification: Uncertain significance. Last evaluated: 2017-06-23. Review status: criteria provided, single submitter. Criteria: EGL Classification Definitions 2015. Collection method: clinical testing. Allele origin: germline. Observed: 1 variant allele, 1 heterozygote.

Breakthrough Genomics
Classification: Uncertain significance. Review status: criteria provided, single submitter. Criteria: ACMG Guidelines, 2015. Collection method: not provided. Allele origin: germline. Inheritance: Autosomal recessive inheritance. Affected: yes.

PreventionGenetics, part of Exact Sciences
Classification: Uncertain significance for PEX12-related condition. Last evaluated: 2024-06-10. Review status: no assertion criteria provided. Collection method: clinical testing. Allele origin: germline. Not counted in ClinVar's aggregate classification.
Comment: The PEX12 c.737C>A variant is predicted to result in the amino acid substitution p.Ser246Tyr. To our knowledge, this variant has not been reported in the literature. This variant is reported in 0.029% of alleles in individuals of European (Non-Finnish) descent in gnomAD. At this time, the clinical significance of this variant is uncertain due to the absence of conclusive functional and genetic evidence.

NM_000286.3(PEX12):c.737C>A (p.Ser246Tyr)

Gene: PEX12 (peroxisomal biogenesis factor 12; minus strand). Cytogenetic location: 17q12.
Variant type: single nucleotide variant.
Coding change: c.737C>A on transcript NM_000286.3 (MANE Select); coding-DNA position 737, C replaced by A.
Protein change: p.Ser246Tyr; replaces serine 246 with tyrosine.
Molecular consequence: missense variant.
Genome position (GRCh38, 1-based): chr17:35,576,125, G>T on the plus strand (C>A on the coding strand, the complement: PEX12 is on the minus strand). VCF-style: chr17-35576125-G-T. GRCh37 (hg19) VCF-style: chr17-33903144-G-T.
Other names: short protein forms S246Y.
Identifiers: ClinVar variation 502684 (VCV000502684.16), dbSNP rs200413804, ClinGen allele CA8504848.